The following is an entry in ClinVar:

ClinVar aggregate classification (germline): Conflicting classifications of pathogenicity. Review status: criteria provided, conflicting classifications (1 of 4 stars). 2 submissions from 2 submitters: Uncertain significance (1); Benign (1). Last evaluated 2023-01-01.

Conditions:
Hereditary pheochromocytoma and paraganglioma. Also called: Hereditary Paraganglioma-Pheochromocytoma Syndromes; Hereditary paragangliomas and pheochromocytomas; Hereditary pheochromocytoma-paraganglioma. Identifiers: Orphanet 29072, MedGen C4274332, MONDO:0017366.

Allele frequency attached by ClinVar (database versions not stated): TOPMed 0.00124; gnomAD exomes 0.00157; gnomAD 0.00175 and 0.00180.

Submissions (2):

CeGaT Center for Human Genetics Tuebingen
Classification: Benign. Last evaluated: 2023-01-01. Review status: criteria provided, single submitter. Criteria: CeGaT Center For Human Genetics Tuebingen Variant Classification Criteria Version 2. Collection method: clinical testing. Allele origin: germline. Affected: yes. Observed: 2 variant alleles.
Comment: SDHC: BS1, BS2

Illumina Laboratory Services, Illumina
Classification: Uncertain significance for Hereditary Paraganglioma-Pheochromocytoma Syndromes. Last evaluated: 2018-01-13. Review status: criteria provided, single submitter. Criteria: ICSL Variant Classification Criteria 13 December 2019. Collection method: clinical testing. Allele origin: germline.

NM_003001.3(SDHC):c.*1159C>T

Gene: SDHC (succinate dehydrogenase complex subunit C; plus strand). Cytogenetic location: 1q23.3.
Variant type: single nucleotide variant.
Coding change: c.*1159C>T on transcript NM_003001.3; 1159 bases downstream of the stop codon, C replaced by T.
Genome position (GRCh38, 1-based): chr1:161,363,592, C>T. VCF-style: chr1-161363592-C-T. GRCh37 (hg19) VCF-style: chr1-161333382-C-T.
Identifiers: ClinVar variation 873683 (VCV000873683.28), dbSNP rs760243208, ClinGen allele CA31440106.